The following is an entry in ClinVar:

ClinVar aggregate classification (germline): Uncertain significance (1 of 4 stars; one submission).

Conditions:
Dilated cardiomyopathy 1II (CMD1II). Identifiers: Orphanet 154, MedGen C3554649, MONDO:0014073, OMIM 615184.

Allele frequency attached by ClinVar (database versions not stated): gnomAD exomes below 0.00001.
gnomAD v4.1: 4 of 1,613,226 alleles (0.00025%); highest among the groups gnomAD compares: Middle Eastern, 0.038%; no homozygotes.

Submission:

Labcorp Genetics (formerly Invitae), Labcorp
Classification: Uncertain significance for Dilated cardiomyopathy 1II. Last evaluated: 2025-03-10. Review status: criteria provided, single submitter. Criteria: Invitae Variant Classification Sherloc (09022015). Collection method: clinical testing. Allele origin: germline.
Comment: This sequence change creates a premature translational stop signal (p.Lys166*) in the CRYAB gene. While this is not anticipated to result in nonsense mediated decay, it is expected to disrupt the last 10 amino acid(s) of the CRYAB protein. This variant is not present in population databases (gnomAD no frequency). This premature translational stop signal has been observed in individual(s) with congenital myopathy (PMID: 25214167). ClinVar contains an entry for this variant (Variation ID: 2421848). Experimental studies and prediction algorithms are not available or were not evaluated, and the functional significance of this variant is currently unknown. Algorithms developed to predict the effect of sequence changes on RNA splicing suggest that this variant may create or strengthen a splice site. In summary, the available evidence is currently insufficient to determine the role of this variant in disease. Therefore, it has been classified as a Variant of Uncertain Significance.

Literature cited by the submitters: PubMed 25214167.

NM_001289808.2(CRYAB):c.496A>T (p.Lys166Ter)

Gene: CRYAB (crystallin alpha B; minus strand). Cytogenetic location: 11q23.1.
Variant type: single nucleotide variant.
Coding change: c.496A>T on transcript NM_001289808.2 (MANE Select); coding-DNA position 496, A replaced by T.
Protein change: p.Lys166Ter; replaces lysine 166 with a stop codon.
Molecular consequence: nonsense.
Genome position (GRCh38, 1-based): chr11:111,908,796, T>A on the plus strand (A>T on the coding strand, the complement: CRYAB is on the minus strand). VCF-style: chr11-111908796-T-A. GRCh37 (hg19) VCF-style: chr11-111779520-T-A.
Other names: c.496A>T, p.Lys166Ter (NM_001289807.1, NM_001368245.1, NM_001885.3); c.295A>T, p.Lys99Ter (NM_001330379.1, NM_001368246.1); short protein forms K166*, K99*.
Identifiers: ClinVar variation 2421848 (VCV002421848.5), dbSNP rs2497874732, ClinGen allele CA382595510.